The following is an entry in ClinVar:

NM_002109.6(HARS1):c.1123C>T (p.Arg375Cys)

Gene: HARS1 (histidyl-tRNA synthetase 1; minus strand). Cytogenetic location: 5q31.3.
Variant type: single nucleotide variant.
Coding change: c.1123C>T on transcript NM_002109.6 (MANE Select); coding-DNA position 1123, C replaced by T.
Protein change: p.Arg375Cys; replaces arginine 375 with cysteine.
Molecular consequence: missense variant.
Genome position (GRCh38, 1-based): chr5:140,676,725, G>A on the plus strand (C>T on the coding strand, the complement: HARS1 is on the minus strand). VCF-style: chr5-140676725-G-A. GRCh37 (hg19) VCF-style: chr5-140056310-G-A.
Other names: c.1003C>T, p.Arg335Cys (NM_001258040.3); c.1063C>T, p.Arg355Cys (NM_001258041.3); c.943C>T, p.Arg315Cys (NM_001258042.3); c.901C>T, p.Arg301Cys (NM_001289092.2); c.781C>T, p.Arg261Cys (NM_001289093.2); c.1036C>T, p.Arg346Cys (NM_001289094.2); c.1123C>T (NM_002109.3); short protein forms R375C, R346C, R335C, R355C, R261C, R301C, R315C.
Identifiers: ClinVar variation 472986 (VCV000472986.19), dbSNP rs774682373, ClinGen allele CA3443919.
Genomic context (GRCh38, chr5:140,676,725, plus strand): 5'-GTTCCACGATGGAGAAAATCCGCTCCACCCCAATGCTGAGCCCCACACATGGCACCTTGC[G>A]CCCTTTGGGGTCGAACATGCCCACTAGCCCATCATAGCGTCCTCCAGCAGCCACACTGCC-3'
Protein context (NP_002100.2, residues 365-385): GLVGMFDPKG[Arg375Cys]KVPCVGLSIG

ClinVar aggregate classification (germline): Uncertain significance. Review status: criteria provided, multiple submitters, no conflicts (2 of 4 stars). 5 submissions from 5 submitters: Uncertain significance (5). Last evaluated 2026-06-24.

Conditions:
HARS1-related disorder. Also called: HARS1-related condition.
Autosomal dominant Charcot-Marie-Tooth disease type 2W. Also called: Charcot-Marie-Tooth disease, axonal, type 2w; CHARCOT-MARIE-TOOTH NEUROPATHY, TYPE 2W; CHARCOT-MARIE-TOOTH DISEASE, AXONAL, AUTOSOMAL DOMINANT, TYPE 2W. Identifiers: Orphanet 488333, MedGen C5567486, MONDO:0014711, OMIM 616625.
Usher syndrome type 3B. Also called: USHER SYNDROME, TYPE IIIB. Identifiers: MedGen C3281066, MONDO:0013788, OMIM 614504.
Usher syndrome type 3. Also called: Usher Syndrome, Type III. Identifiers: Orphanet 231183, MedGen C1568248, MONDO:0016485.

Allele frequency attached by ClinVar (database versions not stated): gnomAD 0.00002 and 0.00003; gnomAD exomes 0.00002 and 0.00003; TOPMed 0.00002; ExAC 0.00001.
gnomAD v4.1: 52 of 1,614,074 alleles (0.0032%); highest among the groups gnomAD compares: South Asian, 0.0077%; no homozygotes.

Submissions (5):

PreventionGenetics, part of Exact Sciences
Classification: Uncertain significance for HARS1-related condition. Last evaluated: 2026-06-24. Review status: criteria provided, single submitter. Criteria: ACMG Guidelines, 2015. Collection method: clinical testing. Allele origin: germline.
Comment: The HARS1 c.1123C>T variant is predicted to result in the amino acid substitution p.Arg375Cys. To our knowledge, this variant has not been reported in the literature. This variant is reported in 0.0098% of alleles in individuals of South Asian descent in gnomAD. At this time, the clinical significance of this variant is uncertain due to the absence of conclusive functional and genetic evidence.

Labcorp Genetics (formerly Invitae), Labcorp
Classification: Uncertain significance for Usher syndrome type 3B. Last evaluated: 2024-08-12. Review status: criteria provided, single submitter. Criteria: Invitae Variant Classification Sherloc (09022015). Collection method: clinical testing. Allele origin: germline.
Comment: This sequence change replaces arginine, which is basic and polar, with cysteine, which is neutral and slightly polar, at codon 375 of the HARS protein (p.Arg375Cys). This variant is present in population databases (rs774682373, gnomAD 0.01%). This variant has not been reported in the literature in individuals affected with HARS-related conditions. ClinVar contains an entry for this variant (Variation ID: 472986). Advanced modeling of protein sequence and biophysical properties (such as structural, functional, and spatial information, amino acid conservation, physicochemical variation, residue mobility, and thermodynamic stability) performed at Invitae indicates that this missense variant is not expected to disrupt HARS protein function with a negative predictive value of 80%. In summary, the available evidence is currently insufficient to determine the role of this variant in disease. Therefore, it has been classified as a Variant of Uncertain Significance.

Blueprint Genetics
Classification: Uncertain significance. Last evaluated: 2024-07-23. Review status: criteria provided, single submitter. Criteria: ACMG Guidelines, 2015. Collection method: clinical testing. Allele origin: germline.

Ambry Genetics
Classification: Uncertain significance. Last evaluated: 2023-01-20. Review status: criteria provided, single submitter. Criteria: Ambry Variant Classification Scheme 2023. Collection method: clinical testing. Allele origin: germline.

GeneDx
Classification: Uncertain significance. Last evaluated: 2022-02-01. Review status: criteria provided, single submitter. Criteria: GeneDx Variant Classification Process June 2021. Collection method: clinical testing. Allele origin: germline. Affected: yes.
Comment: In silico analysis supports that this missense variant has a deleterious effect on protein structure/function; Has not been previously published as pathogenic or benign to our knowledge